The following is an entry in ClinVar:

ClinVar aggregate classification (germline): Uncertain significance (1 of 4 stars; one submission).

Conditions:
Inborn genetic diseases. Identifiers: MedGen C0950123, MeSH D030342.

gnomAD v4.1: 1 of 1,571,212 alleles (0.000064%); no homozygotes.

Submission:

Ambry Genetics
Classification: Uncertain significance for Inborn genetic diseases. Last evaluated: 2020-10-30. Review status: criteria provided, single submitter. Criteria: Ambry Variant Classification Scheme 2023. Collection method: clinical testing. Allele origin: germline.
Comment: The c.510G>T (p.K170N) alteration is located in exon 5 (coding exon 5) of the PHGDH gene. This alteration results from a G to T substitution at nucleotide position 510, causing the lysine (K) at amino acid position 170 to be replaced by an asparagine (N). However, this change occurs in the last base pair of coding exon5, which makes it likely to have some effect on normal mRNA splicing. Based on data from the Genome Aggregation Database (gnomAD) database, the PHGDH c.510G>T alteration was observed in 0.0008% (2/251400) of total alleles studied. This nucleotide position is highly conserved in available vertebrate species. In silico splice site analysis predicts that this alteration may weaken the native splice donor site and will result in the creation or strengthening of a novel splice donor site. In addition, as a missense alteration, the p.K170N alteration is predicted to be tolerated by in silico analysis. Based on insufficient or conflicting evidence, the clinical significance of this alteration remains unclear.

NM_006623.4(PHGDH):c.510G>T (p.Lys170Asn)

Gene: PHGDH (phosphoglycerate dehydrogenase; plus strand). Cytogenetic location: 1p12.
Variant type: single nucleotide variant.
Coding change: c.510G>T on transcript NM_006623.4 (MANE Select); coding-DNA position 510, G replaced by T.
Protein change: p.Lys170Asn; replaces lysine 170 with asparagine.
Molecular consequence: missense variant.
Genome position (GRCh38, 1-based): chr1:119,727,102, G>T. VCF-style: chr1-119727102-G-T. GRCh37 (hg19) VCF-style: chr1-120269725-G-T.
Other names: short protein forms K170N.
Identifiers: ClinVar variation 2227727 (VCV002227727.2), dbSNP rs770036497, ClinGen allele CA341847862.